The following is an entry in ClinVar:

NM_001312909.2(FAM111A):c.1692C>A (p.Tyr564Ter)

Gene: FAM111A (FAM111 trypsin like peptidase A; plus strand). Cytogenetic location: 11q12.1.
Variant type: single nucleotide variant.
Coding change: c.1692C>A on transcript NM_001312909.2 (MANE Select); coding-DNA position 1692, C replaced by A.
Protein change: p.Tyr564Ter; replaces tyrosine 564 with a stop codon.
Molecular consequence: nonsense.
Genome position (GRCh38, 1-based): chr11:59,153,360, C>A. VCF-style: chr11-59153360-C-A. GRCh37 (hg19) VCF-style: chr11-58920833-C-A.
Other names: c.1692C>A, p.Tyr564Ter (NM_001142519.3, NM_001142520.3, NM_001142521.3 and 29 more transcripts); short protein forms Y564*.
Identifiers: ClinVar variation 1349931 (VCV001349931.6), dbSNP rs1400352534, ClinGen allele CA380789806.

ClinVar aggregate classification (germline): Uncertain significance (1 of 4 stars; one submission).

Allele frequency attached by ClinVar (database versions not stated): gnomAD exomes below 0.00001; TOPMed below 0.00001; gnomAD 0.00001.
gnomAD v4.1: 3 of 1,614,016 alleles (0.00019%); highest among the groups gnomAD compares: Admixed American, 0.0017%; no homozygotes.

Submission:

Labcorp Genetics (formerly Invitae), Labcorp
Classification: Uncertain significance. Last evaluated: 2021-11-30. Review status: criteria provided, single submitter. Criteria: Invitae Variant Classification Sherloc (09022015). Collection method: clinical testing. Allele origin: germline.
Comment: In summary, the available evidence is currently insufficient to determine the role of this variant in disease. Therefore, it has been classified as a Variant of Uncertain Significance. Experimental studies and prediction algorithms are not available or were not evaluated, and the functional significance of this variant is currently unknown. This variant has not been reported in the literature in individuals affected with FAM111A-related conditions. This variant is present in population databases (no rsID available, gnomAD 0.007%). This sequence change creates a premature translational stop signal (p.Tyr564*) in the FAM111A gene. While this is not anticipated to result in nonsense mediated decay, it is expected to disrupt the last 48 amino acid(s) of the FAM111A protein.